The following is an entry in ClinVar:

ClinVar aggregate classification (germline): Uncertain significance (1 of 4 stars; one submission).

Allele frequency attached by ClinVar (database versions not stated): gnomAD exomes below 0.00001.
gnomAD v4.1: 1 of 1,614,094 alleles (0.000062%); highest among the groups gnomAD compares: Non-Finnish European, 0.000085%; no homozygotes.

Submission:

GeneDx
Classification: Uncertain significance. Last evaluated: 2022-06-27. Review status: criteria provided, single submitter. Criteria: GeneDx Variant Classification Process June 2021. Collection method: clinical testing. Allele origin: germline. Affected: yes.
Comment: Not observed at significant frequency in large population cohorts (gnomAD); In silico analysis supports that this missense variant has a deleterious effect on protein structure/function; Has not been previously published as pathogenic or benign to our knowledge

NM_001348716.2(KDM6B):c.4673G>A (p.Gly1558Glu)

Gene: KDM6B (lysine demethylase 6B; plus strand). Cytogenetic location: 17p13.1.
Variant type: single nucleotide variant.
Coding change: c.4673G>A on transcript NM_001348716.2 (MANE Select); coding-DNA position 4673, G replaced by A.
Protein change: p.Gly1558Glu; replaces glycine 1558 with glutamic acid.
Molecular consequence: missense variant.
Genome position (GRCh38, 1-based): chr17:7,853,062, G>A. VCF-style: chr17-7853062-G-A. GRCh37 (hg19) VCF-style: chr17-7756380-G-A.
Other names: c.4673G>A, p.Gly1558Glu (NM_001080424.2); short protein forms G1558E.
Identifiers: ClinVar variation 1809832 (VCV001809832.1), dbSNP rs879930278, ClinGen allele CA397928335.